The following is an entry in ClinVar:

ClinVar aggregate classification (germline): Uncertain significance. Review status: criteria provided, multiple submitters, no conflicts (2 of 4 stars). 2 submissions from 2 submitters: Uncertain significance (2). Last evaluated 2025-09-08.

Allele frequency attached by ClinVar (database versions not stated): gnomAD 0.00001; gnomAD exomes 0.00001; TOPMed 0.00004; ESP Exome Variant Server 0.00008.
gnomAD v4.1: 21 of 1,613,702 alleles (0.0013%); highest among the groups gnomAD compares: East Asian, 0.022%; no homozygotes.

Submissions (2):

Athena Diagnostics
Classification: Uncertain significance. Last evaluated: 2025-09-08. Review status: criteria provided, single submitter. Criteria: Athena Diagnostics Criteria. Collection method: clinical testing. Allele origin: unknown.
Comment: Available data are insufficient to determine the clinical significance of the variant at this time. The frequency of this variant in the general population is uninformative in assessment of its pathogenicity. Polyphen and MutationTaster predict this amino acid change may be benign.

Revvity Omics, Revvity
Classification: Uncertain significance. Last evaluated: 2019-06-06. Review status: criteria provided, single submitter. Criteria: ACMG Guidelines, 2015. Collection method: clinical testing. Allele origin: germline.

NM_182961.4(SYNE1):c.23482A>G (p.Ile7828Val)

Gene: SYNE1 (spectrin repeat containing nuclear envelope protein 1; minus strand). Cytogenetic location: 6q25.2.
Variant type: single nucleotide variant.
Coding change: c.23482A>G on transcript NM_182961.4 (MANE Select); coding-DNA position 23482, A replaced by G.
Protein change: p.Ile7828Val; replaces isoleucine 7828 with valine.
Molecular consequence: missense variant.
Genome position (GRCh38, 1-based): chr6:152,176,539, T>C on the plus strand (A>G on the coding strand, the complement: SYNE1 is on the minus strand). VCF-style: chr6-152176539-T-C. GRCh37 (hg19) VCF-style: chr6-152497674-T-C.
Other names: c.88A>G, p.Ile30Val (NM_001347701.2); c.23269A>G, p.Ile7757Val (NM_033071.5); c.23482A>G (NM_182961.2); short protein forms I30V, I7757V, I7828V.
Identifiers: ClinVar variation 2436723 (VCV002436723.5), dbSNP rs147268637, ClinGen allele CA150191502.
Genomic context (GRCh38, chr6:152,176,539, plus strand): 5'-GGCTGGCTTTAGCAAGTCGTTCTCCCATTTGTTGGAGCTGTATTTTGTTCTCTTGAGCAA[T>C]AGCAATTTCCTCTTGATAATCCTGTGTAATAAATAGCAATCACAGAGGTCAGAAAGCATA-3'
Protein context (NP_892006.3, residues 7818-7838): LKKDYQEEIA[Ile7828Val]AQENKIQLQQ